The following is an entry in ClinVar:

NM_021625.5(TRPV4):c.806G>A (p.Arg269His)

Gene: TRPV4 (transient receptor potential cation channel subfamily V member 4; minus strand). Cytogenetic location: 12q24.11.
Variant type: single nucleotide variant.
Coding change: c.806G>A on transcript NM_021625.5 (MANE Select); coding-DNA position 806, G replaced by A.
Protein change: p.Arg269His; replaces arginine 269 with histidine.
Molecular consequence: missense variant. On other transcripts: intron variant (2).
Genome position (GRCh38, 1-based): chr12:109,800,665, C>T on the plus strand (G>A on the coding strand, the complement: TRPV4 is on the minus strand). VCF-style: chr12-109800665-C-T. GRCh37 (hg19) VCF-style: chr12-110238470-C-T.
Other names: NM_021625.5(TRPV4):c.806G>A; c.704G>A, p.Arg235His (NM_001177431.2); c.806G>A, p.Arg269His (NM_147204.3); c.713-1753G>A (NM_001177433.1, NM_001177428.1); short protein forms R269H, R235H.
Identifiers: ClinVar variation 5000 (VCV000005000.78), dbSNP rs267607144, ClinGen allele CA117180.

ClinVar aggregate classification (germline): Pathogenic/Likely pathogenic. Review status: criteria provided, multiple submitters, no conflicts (2 of 4 stars). 19 submissions from 18 submitters: Pathogenic (13); Likely pathogenic (1). 5 of the submissions do not count toward it. Last evaluated 2025-03-19.

Conditions:
TRPV4-related disorder. Also called: TRPV4-related condition; TRPV4-related disorders.
TRPV4-related bone disorder. Identifiers: Orphanet 364820, MedGen C5680977, MONDO:0018240.
Scapuloperoneal spinal muscular atrophy (SPSMA). Also called: Scapuloperoneal Spinal Muscular Atrophy, TRPV4-Related; AMYOTROPHY, NEUROGENIC SCAPULOPERONEAL, NEW ENGLAND TYPE; Scapuloperoneal Form of Spinal Muscular Atrophy; Scapuloperoneal spinal muscular atrophy, autosomal dominant. Identifiers: Orphanet 431255, MedGen C0751335, MONDO:0008408, OMIM 181405.
Parastremmatic dwarfism. Identifiers: Orphanet 2646, MedGen C1868616, MONDO:0008196, OMIM 168400.
Metatropic dysplasia (MTD). Also called: METATROPIC DWARFISM; Metatropic Dysplasia, TRPV4-Related; Metatropic dysplasia, nonlethal dominant. Identifiers: Orphanet 2635, MedGen C0265281, MONDO:0007986, OMIM 156530.
Familial digital arthropathy-brachydactyly. Identifiers: Orphanet 85169, MedGen C1847406, MONDO:0011732, OMIM 606835.
Charcot-Marie-Tooth disease axonal type 2C (HMSN2C). Also called: Charcot-Marie-Tooth Disease Type 2, TRPV4-Related (CMT2C); CHARCOT-MARIE-TOOTH DISEASE, AXONAL, AUTOSOMAL DOMINANT, TYPE 2C; Charcot-Marie-Tooth Neuropathy Type 2C. Identifiers: Orphanet 99937, MedGen C1853710, MONDO:0011633, OMIM 606071.
Sodium serum level quantitative trait locus 1 (SSQTL1). Identifiers: MedGen C3150755, OMIM 613508.
Neuronopathy, distal hereditary motor, autosomal dominant 8. Also called: NEURONOPATHY, DISTAL HEREDITARY MOTOR, TYPE VIII; NEUROPATHY, DISTAL HEREDITARY MOTOR, TYPE VIII; SPINAL MUSCULAR ATROPHY, CONGENITAL BENIGN, WITH CONTRACTURES; Autosomal dominant congenital benign spinal muscular atrophy. Identifiers: Orphanet 1216, MedGen C1838492, MONDO:0010839, OMIM 600175.
Spondyloepimetaphyseal dysplasia, Maroteaux type (SEDM). Also called: PSEUDO-MORQUIO SYNDROME, TYPE 2; Spondyloepimetaphyseal Dysplasia, TRPV4-Related (Maroteaux Type); SED, MAROTEAUX TYPE. Identifiers: Orphanet 263482, MedGen C3159322, MONDO:0008473, OMIM 184095.
Spondylometaphyseal dysplasia, Kozlowski type (SMDK). Also called: Dysmorphism arthrogryposis skeletal maturation advanced; Jequier-Kozlowski syndrome; Skeletal dysplasia Jequier-Kozlowski type; SMD Kozlowski type; Spondylometaphyseal Dysplasia, TRPV4-Related (Kozlowski Type). Identifiers: Orphanet 93314, MedGen C0265280, MONDO:0008477, OMIM 184252.
Avascular necrosis of femoral head, primary, 2 (ANFH2). Identifiers: MedGen C4479260, MONDO:0054551, OMIM 617383.
Brachyrachia (short spine dysplasia) (BCYM3). Also called: Brachyolmia, TRPV4-Related; Brachyolmia Type 3; BRACHYRACHIA; Autosomal dominant brachyolmia. Identifiers: Orphanet 93304, MedGen C0432227, MONDO:0007232, OMIM 113500.
Inborn genetic diseases. Identifiers: MedGen C0950123, MeSH D030342.
Charcot-Marie-Tooth disease. Also called: Charcot-Marie-Tooth Neuropathy; Charcot-Marie-Tooth Hereditary Neuropathy. Identifiers: Orphanet 166, MedGen C0007959, MONDO:0015626.
Neuromuscular disease. Also called: Neuromuscular disorder; Neuromyopathy. Identifiers: Orphanet 68381, MedGen C0027868, MeSH D009468, MONDO:0019056.

Allele frequency attached by ClinVar (database versions not stated): TOPMed below 0.00001.

Submissions 1 to 4 of 19:

3billion
Classification: Pathogenic for Charcot-Marie-Tooth disease axonal type 2C. Last evaluated: 2025-03-19. Review status: criteria provided, single submitter. Criteria: ACMG Guidelines, 2015. Collection method: clinical testing. Allele origin: germline. Affected: yes.
Comment: The variant is not observed in the gnomAD v4.1.0 dataset. Predicted Consequence/Location: Missense variant. Missense changes are a common disease-causing mechanism. Functional studies provide strong evidence of the variant having a damaging effect on the gene or gene product (PMID: 20037586, 20037587, 20037588, 21288981, 21454511, 25256292). In silico tool predictions suggest damaging effect of the variant on gene or gene product [3Cnet: 0.88 (> 0.75, sensitivity 0.96 and precision 0.92)].The same nucleotide change resulting in the same amino acid change has been previously reported as pathogenic/likely pathogenic with strong evidence (ClinVar ID: VCV000005000 / PMID: 20037586 / 3billion dataset). The variant has been observed in multiple (>3) similarly affected unrelated individuals (PMID: 20037586, 20037587, 20460441, 24575025, 24789864). The variant has been reported to co-segregate with the disease in at least 7 similarly affected relatives/individuals in at least two unrelated families (PMID: 20037586, 20037587, 20460441, 24575025, 24789864). Different missense changes at the same codon (p.Arg269Cys, p.Arg269Ser) have been reported as pathogenic/likely pathogenic with strong evidence (ClinVar ID: VCV000005002, VCV000536867 / PMID: 20037586). Therefore, this variant is classified as Pathogenic according to the recommendation of ACMG/AMP guideline.

GeneDx
Classification: Pathogenic. Last evaluated: 2024-06-11. Review status: criteria provided, single submitter. Criteria: GeneDx Variant Classification Process June 2021. Collection method: clinical testing. Allele origin: germline. Affected: yes.
Comment: Several published functional studies have demonstrated the R269H variant leads to disease by a gain-of-function mechanism (PMID: 20037586, 20037587, 20037588, 21454511); Not observed at significant frequency in large population cohorts (gnomAD); In silico analysis indicates that this missense variant does not alter protein structure/function; This variant is associated with the following publications: (PMID: 22702953, 21454511, 33060286, 31468327, 24963089, 24575025, 20037587, 20037588, 23306656, 26948711, 27751652, 30373780, 30230566, 29858556, 31230720, 32400062, 37366078, 36964972, 24789864, 20037586, 21336783)

Broad Center for Mendelian Genomics, Broad Institute of MIT and Harvard
Classification: Pathogenic for TRPV4-related bone disorder. Last evaluated: 2024-03-12. Review status: criteria provided, single submitter. Criteria: ACMG Guidelines, 2015. Collection method: curation. Allele origin: germline. Inheritance: Autosomal dominant inheritance.
Comment: Trio genome analysis showed this variant to be de novo. We believe this is a possible phenotype expansion for TRPV4-related disease The p.Arg269His variant in TRPV4 has been previously reported in over 10 unrelated individuals with autosomal dominant TRPV4-related disease (PMID: 20037586, PMID: 27751652, PMID: 26948711, PMID: 30230566, PMID: 20037588, PMID: 20037587, PMID: 20460441, PMID: 24575025, PMID: 24789864) and segregated with disease in 59 affected relatives from 7 families (PMID: 20037586, PMID: 26948711, PMID: 30230566, PMID: 20037588, PMID: 20037587, PMID: 20460441, PMID: 24575025). The number of reported affected individuals with this variant is greater than expected compared to non-affected individuals with this variant. This variant was found to be de novo in at least two unrelated individuals with confirmed maternity and paternity (PMID: 24789864, PMID: 30230566). This variant has also been reported in ClinVar (Variation ID: 5000) and has been interpreted as pathogenic by multiple submitters. This variant was absent from large population studies. In vitro functional studies provide some evidence that the p.Arg269His variant may impact protein function (PMID: 21454511, PMID: 21288981, PMID: 20037588, PMID: 20037586). However, these types of assays may not accurately represent biological function. 2 additional pathogenic or likely pathogenic variants, resulting in a different amino acid change at the same position, p.Arg269Ser and p.Arg269Cys, have been reported in association with disease in the literature and in ClinVar, slightly supporting that a change at this position may not be tolerated (PMID: 20037586, 21336783, 24789864, 25900305, 26110311; Variation ID: 536867, 5002). Computational prediction tools and conservation analyses do not provide strong support for or against an impact to the protein. In summary, this variant meets criteria to be classified as pathogenic for autosomal dominant TRPV4-related disease. ACMG/AMP Criteria applied: PS2_Moderate, PS3, PS4, PM2_Supporting, PM5_Supporting, PP1_strong (Richards 2015).

Division of Human Genetics, National Health Laboratory Service/University of the Witwatersrand
Classification: Pathogenic for TRPV4-related bone disorder. Last evaluated: 2023-07-01. Review status: criteria provided, single submitter. Criteria: ACMG Guidelines, 2015. Collection method: research. Allele origin: germline. Affected: yes.